The following is an entry in ClinVar:

NM_001060.6(TBXA2R):c.389G>T (p.Arg130Leu)

Gene: TBXA2R (thromboxane A2 receptor; minus strand). Cytogenetic location: 19p13.3.
Variant type: single nucleotide variant.
Coding change: c.389G>T on transcript NM_001060.6 (MANE Select); coding-DNA position 389, G replaced by T.
Protein change: p.Arg130Leu; replaces arginine 130 with leucine.
Molecular consequence: missense variant.
Genome position (GRCh38, 1-based): chr19:3,600,246, C>A on the plus strand (G>T on the coding strand, the complement: TBXA2R is on the minus strand). VCF-style: chr19-3600246-C-A. GRCh37 (hg19) VCF-style: chr19-3600244-C-A.
Other names: c.389G>T, p.Arg130Leu (NM_201636.3); short protein forms R130L.
Identifiers: ClinVar variation 4883612 (VCV004883612.2).

ClinVar aggregate classification (germline): Uncertain significance (1 of 4 stars; one submission).

gnomAD v4.1: 3 of 1,611,536 alleles (0.00019%); highest among the groups gnomAD compares: Admixed American, 0.005%; no homozygotes.

Submission:

Dasa
Classification: Uncertain significance. Last evaluated: 2025-07-28. Review status: criteria provided, single submitter. Criteria: DASA Assertion Criteria. Collection method: clinical testing. Allele origin: germline.
Comment: NM_001060.6(TBXA2R):c.389G>T (p.Arg130Leu) is a missense variant that results in the substitution of arginine with leucine. This variant is rare in population databases. Computational prediction algorithms are consistent with a deleterious effect. The currently available literature and clinical evidence are not sufficient to establish a definitive association between this variant and the reported condition. Therefore, this variant is classified as a variant of uncertain significance.